The following is an entry in ClinVar:

ClinVar aggregate classification (germline): Uncertain significance (1 of 4 stars; one submission).

Conditions:
Shwachman syndrome. Also called: Shwachman-Diamond Syndrome; PANCREATIC INSUFFICIENCY AND BONE MARROW DYSFUNCTION; SHWACHMAN-BODIAN SYNDROME. Identifiers: Orphanet 811, MedGen C0272170, MONDO:0009833.

gnomAD v4.1: 1 of 1,613,902 alleles (0.000062%); highest among the groups gnomAD compares: Non-Finnish European, 0.000085%; no homozygotes.

Submission:

Broad Center for Mendelian Genomics, Broad Institute of MIT and Harvard
Classification: Uncertain significance for Shwachman syndrome. Last evaluated: 2025-01-10. Review status: criteria provided, single submitter. Criteria: ACMG Guidelines, 2015. Collection method: curation. Allele origin: germline. Inheritance: Autosomal recessive inheritance.
Comment: The p.His27Tyr variant in EFL1 has not been previously reported in individuals with Shwachman-Diamond syndrome, but has been identified in 0.00009% (1/1111964) of European (non-Finnish) chromosomes by the Genome Aggregation Database (gnomAD; dbSNP rs766493058). Although this variant has been seen in the general population in a heterozygous state, its frequency is low enough to be consistent with a recessive carrier frequency. Computational prediction tools and conservation analyses suggest that this variant may impact the protein, though this information is not predictive enough to determine pathogenicity. Furthermore, although this gene has been reported in association with Shwachman-Diamond syndrome, it currently has moderate evidence for these associations. In summary, the clinical significance of the p.His27Tyr variant is uncertain.

NM_024580.6(EFL1):c.79C>T (p.His27Tyr)

Gene: EFL1 (elongation factor like GTPase 1; minus strand). Cytogenetic location: 15q25.2.
Variant type: single nucleotide variant.
Coding change: c.79C>T on transcript NM_024580.6 (MANE Select); coding-DNA position 79, C replaced by T.
Protein change: p.His27Tyr; replaces histidine 27 with tyrosine.
Molecular consequence: missense variant. On other transcripts: 5 prime UTR variant (1), non-coding transcript variant (1).
Genome position (GRCh38, 1-based): chr15:82,261,700, G>A on the plus strand (C>T on the coding strand, the complement: EFL1 is on the minus strand). VCF-style: chr15-82261700-G-A. GRCh37 (hg19) VCF-style: chr15-82554041-G-A.
Other names: NR_136410.2:n.219C>T; c.79C>T, p.His27Tyr (NM_001040610.3, NM_001322845.2); c.-626C>T (NM_001322844.2); short protein forms H27Y.
Identifiers: ClinVar variation 3776982 (VCV003776982.1).